The following is an entry in ClinVar:

ClinVar aggregate classification (germline): Benign/Likely benign. Review status: criteria provided, multiple submitters, no conflicts (2 of 4 stars). 5 submissions from 5 submitters: Benign (3); Likely benign (1). 1 of the submissions does not count toward it. Last evaluated 2026-01-22.

Conditions:
HGD-related disorder. Also called: HGD-related condition.
Alkaptonuria (AKU). Also called: Alkaptonuric ochronosis; HOMOGENTISIC ACID OXIDASE DEFICIENCY; Alcaptonuria; Homogentisic acidura. Identifiers: Orphanet 56, MedGen C0002066, MONDO:0008753, OMIM 203500.

Allele frequency attached by ClinVar (database versions not stated): 1000 Genomes Project 0.00679; 1000 Genomes Project 30x 0.00781; TOPMed 0.00863; gnomAD 0.00886 and 0.00926; ExAC 0.01076; gnomAD exomes 0.01105 and 0.01387; ESP Exome Variant Server 0.01115.
gnomAD v4.1: 21,647 of 1,614,046 alleles (1.3%); highest among the groups gnomAD compares: South Asian, 2.4%; 208 homozygotes.

Submissions (5):

Labcorp Genetics (formerly Invitae), Labcorp
Classification: Benign for Alkaptonuria. Last evaluated: 2026-01-22. Review status: criteria provided, single submitter. Criteria: Invitae Variant Classification Sherloc (09022015). Collection method: clinical testing. Allele origin: germline.

Fulgent Genetics
Classification: Likely benign for Alkaptonuria. Last evaluated: 2022-05-12. Review status: criteria provided, single submitter. Criteria: ACMG Guidelines, 2015. Collection method: clinical testing. Allele origin: unknown.

Illumina Laboratory Services, Illumina
Classification: Benign for Alkaptonuria. Last evaluated: 2018-01-13. Review status: criteria provided, single submitter. Criteria: ICSL Variant Classification Criteria 13 December 2019. Collection method: clinical testing. Allele origin: germline.
Comment: This variant was observed in the ICSL laboratory as part of a predisposition screen in an ostensibly healthy population. It had not been previously curated by ICSL or reported in the Human Gene Mutation Database (HGMD: prior to June 1st, 2018), and was therefore a candidate for classification through an automated scoring system. Utilizing variant allele frequency, disease prevalence and penetrance estimates, and inheritance mode, an automated score was calculated to assess if this variant is too frequent to cause the disease. Based on the score and internal cut-off values, a variant classified as benign is not then subjected to further curation. The score for this variant resulted in a classification of benign for this disease.

Breakthrough Genomics
Classification: Benign. Review status: criteria provided, single submitter. Criteria: ACMG Guidelines, 2015. Collection method: not provided. Allele origin: germline. Inheritance: Autosomal recessive inheritance. Affected: yes.

PreventionGenetics, part of Exact Sciences
Classification: Benign for HGD-related condition. Last evaluated: 2024-08-15. Review status: no assertion criteria provided. Collection method: clinical testing. Allele origin: germline. Not counted in ClinVar's aggregate classification.
Comment: This variant is classified as benign based on ACMG/AMP sequence variant interpretation guidelines (Richards et al. 2015 PMID: 25741868, with internal and published modifications).

NM_000187.4(HGD):c.1179T>C (p.Asp393=)

Gene: HGD (homogentisate 1,2-dioxygenase; minus strand). Cytogenetic location: 3q13.33.
Variant type: single nucleotide variant.
Coding change: c.1179T>C on transcript NM_000187.4 (MANE Select); coding-DNA position 1179, T replaced by C.
Protein change: p.Asp393=; no amino-acid change (aspartic acid 393 retained).
Molecular consequence: synonymous variant.
Genome position (GRCh38, 1-based): chr3:120,633,156, A>G on the plus strand (T>C on the coding strand, the complement: HGD is on the minus strand). VCF-style: chr3-120633156-A-G. GRCh37 (hg19) VCF-style: chr3-120352003-A-G.
Identifiers: ClinVar variation 902518 (VCV000902518.15), dbSNP rs146482816, ClinGen allele CA2559955.